The following is an entry in ClinVar:

ClinVar aggregate classification (germline): Likely benign. Review status: criteria provided, multiple submitters, no conflicts (2 of 4 stars). 3 submissions from 3 submitters: Likely benign (3). Last evaluated 2026-08-06.

Conditions:
CLCN7-related disorder. Also called: CLCN7-related condition.

Submissions (3):

PreventionGenetics, part of Exact Sciences
Classification: Likely benign for CLCN7-related condition. Last evaluated: 2026-08-06. Review status: criteria provided, single submitter. Criteria: ACMG Guidelines, 2015. Collection method: clinical testing. Allele origin: germline.
Comment: This variant is classified as likely benign based on ACMG/AMP sequence variant interpretation guidelines (Richards et al. 2015 PMID: 25741868, with internal and published modifications).

Labcorp Genetics (formerly Invitae), Labcorp
Classification: Likely benign. Last evaluated: 2025-12-29. Review status: criteria provided, single submitter. Criteria: Invitae Variant Classification Sherloc (09022015). Collection method: clinical testing. Allele origin: germline.

Blueprint Genetics
Classification: Likely benign. Last evaluated: 2024-08-05. Review status: criteria provided, single submitter. Criteria: ACMG Guidelines, 2015. Collection method: clinical testing. Allele origin: germline.

NM_001287.6(CLCN7):c.1447+2TG[3]

Gene: CLCN7 (Cl-/H+ antiporter 7; minus strand). Cytogenetic location: 16p13.3.
Variant type: Microsatellite.
Coding change: c.1447+2TG[3] on transcript NM_001287.6 (MANE Select); three copies in a row of the 2-base unit TG starting at c.1447+2; the reference has four copies in a row; one copy, 2 bases deleted.
Molecular consequence: splice donor variant.
Genome position (GRCh38, 1-based): chr16:1,451,614-1,451,615, CA deleted on the plus strand (TG on the coding strand, the reverse complement: CLCN7 is on the minus strand); deleting any 2 consecutive bases within chr16:1,451,614-1,451,622 gives the same sequence; the position shown is the placement nearest the transcript's 3' end. VCF-style (leftmost placement, unchanged base first): chr16-1451613-CCA-C. GRCh37 (hg19) VCF-style: chr16-1501614-CCA-C.
Other names: c.1447+8_1447+9del (NM_001287.5); c.1375+2TG[3] (NM_001114331.3).
Identifiers: ClinVar variation 780060 (VCV000780060.12), dbSNP rs752546077, ClinGen allele CA7810259.